The following is an entry in ClinVar:

ClinVar aggregate classification (germline): Uncertain significance. Review status: criteria provided, multiple submitters, no conflicts (2 of 4 stars). 3 submissions from 3 submitters: Uncertain significance (3). Last evaluated 2026-08-31.

Conditions:
MYO5B-related disorder. Also called: MYO5B-related condition.
Inborn genetic diseases. Identifiers: MedGen C0950123, MeSH D030342.

Allele frequency attached by ClinVar (database versions not stated): ExAC 0.00005; gnomAD exomes 0.00008; gnomAD 0.00038; 1000 Genomes Project 0.00040; 1000 Genomes Project 30x 0.00047; TOPMed 0.00065.
gnomAD v4.1: 230 of 1,614,130 alleles (0.014%); highest among the groups gnomAD compares: Admixed American, 0.07%; no homozygotes.

Submissions (3):

PreventionGenetics, part of Exact Sciences
Classification: Uncertain significance for MYO5B-related condition. Last evaluated: 2026-08-31. Review status: criteria provided, single submitter. Criteria: ACMG Guidelines, 2015. Collection method: clinical testing. Allele origin: germline.
Comment: The MYO5B c.4444C>T variant is predicted to result in the amino acid substitution p.Arg1482Trp. To our knowledge, this variant has not been reported in the literature. This variant is reported in 0.012% of alleles in individuals of European (Non-Finnish) descent in gnomAD. At this time, the clinical significance of this variant is uncertain due to the absence of conclusive functional and genetic evidence.

Ambry Genetics
Classification: Uncertain significance for Inborn genetic diseases. Last evaluated: 2025-11-19. Review status: criteria provided, single submitter. Criteria: Ambry Variant Classification Scheme 2023. Collection method: clinical testing. Allele origin: germline.

Labcorp Genetics (formerly Invitae), Labcorp
Classification: Uncertain significance. Last evaluated: 2024-10-02. Review status: criteria provided, single submitter. Criteria: Invitae Variant Classification Sherloc (09022015). Collection method: clinical testing. Allele origin: germline.
Comment: This sequence change replaces arginine, which is basic and polar, with tryptophan, which is neutral and slightly polar, at codon 1482 of the MYO5B protein (p.Arg1482Trp). This variant is present in population databases (rs531744417, gnomAD 0.01%). This variant has not been reported in the literature in individuals affected with MYO5B-related conditions. ClinVar contains an entry for this variant (Variation ID: 1042213). Invitae Evidence Modeling of protein sequence and biophysical properties (such as structural, functional, and spatial information, amino acid conservation, physicochemical variation, residue mobility, and thermodynamic stability) indicates that this missense variant is not expected to disrupt MYO5B protein function with a negative predictive value of 80%. In summary, the available evidence is currently insufficient to determine the role of this variant in disease. Therefore, it has been classified as a Variant of Uncertain Significance.

NM_001080467.3(MYO5B):c.4444C>T (p.Arg1482Trp)

Genes: MYO5B (myosin VB; minus strand), SNHG22 (small nucleolar RNA host gene 22; plus strand). Cytogenetic location: 18q21.1.
Variant type: single nucleotide variant.
Coding change: c.4444C>T on transcript NM_001080467.3 (MANE Select); coding-DNA position 4444, C replaced by T.
Protein change: p.Arg1482Trp; replaces arginine 1482 with tryptophan.
Molecular consequence: missense variant.
Genome position (GRCh38, 1-based): chr18:49,847,161, G>A on the plus strand (C>T on the coding strand, the complement: MYO5B is on the minus strand). VCF-style: chr18-49847161-G-A. GRCh37 (hg19) VCF-style: chr18-47373531-G-A.
Other names: c.4444C>T (NM_001080467.2); short protein forms R1482W.
Identifiers: ClinVar variation 1042213 (VCV001042213.9), dbSNP rs531744417, ClinGen allele CA8960371.